The following is an entry in ClinVar:

NM_001101677.2(SOHLH1):c.52G>A (p.Val18Ile)

Gene: SOHLH1 (spermatogenesis and oogenesis specific basic helix-loop-helix 1; minus strand). Cytogenetic location: 9q34.3.
Variant type: single nucleotide variant.
Coding change: c.52G>A on transcript NM_001101677.2 (MANE Select); coding-DNA position 52, G replaced by A.
Protein change: p.Val18Ile; replaces valine 18 with isoleucine.
Molecular consequence: missense variant.
Genome position (GRCh38, 1-based): chr9:135,699,416, C>T on the plus strand (G>A on the coding strand, the complement: SOHLH1 is on the minus strand). VCF-style: chr9-135699416-C-T. GRCh37 (hg19) VCF-style: chr9-138591262-C-T.
Other names: c.52G>A, p.Val18Ile (NM_001012415.3); short protein forms V18I.
Identifiers: ClinVar variation 4821843 (VCV004821843.4).

ClinVar aggregate classification (germline): Uncertain significance (1 of 4 stars; one submission).

gnomAD v4.1: 61 of 1,611,998 alleles (0.0038%); highest among the groups gnomAD compares: Admixed American, 0.005%; no homozygotes.

Submission:

CeGaT Center for Human Genetics Tuebingen
Classification: Uncertain significance. Last evaluated: 2026-01-01. Review status: criteria provided, single submitter. Criteria: CeGaT Center For Human Genetics Tuebingen Variant Classification Criteria Version 2. Collection method: clinical testing. Allele origin: germline. Affected: yes. Observed: 1 variant allele.
Comment: SOHLH1: PM2, BP4